The following is an entry in ClinVar:

NM_001605.3(AARS1):c.333G>A (p.Lys111=)

Gene: AARS1 (alanyl-tRNA synthetase 1; minus strand). Cytogenetic location: 16q22.1.
Variant type: single nucleotide variant.
Coding change: c.333G>A on transcript NM_001605.3 (MANE Select); coding-DNA position 333, G replaced by A.
Protein change: p.Lys111=; no amino-acid change (lysine 111 retained).
Molecular consequence: synonymous variant.
Genome position (GRCh38, 1-based): chr16:70,276,966, C>T on the plus strand (G>A on the coding strand, the complement: AARS1 is on the minus strand). VCF-style: chr16-70276966-C-T. GRCh37 (hg19) VCF-style: chr16-70310869-C-T.
Identifiers: ClinVar variation 639044 (VCV000639044.6), dbSNP rs1597446167, ClinGen allele CA496213413.
Genomic context (GRCh38, chr16:70,276,966, plus strand): 5'-CCCAGTGTGGAAAAGACCATTTTCCTCAAAACCCTAGTGGTTCTTCTGCTCTGAACTTAC[C>T]TTAAAGTAATCTCCAAAAGACCAAGAGCCCAGCATCTCGAAGAAGGTGTGATGATAGACA-3'
Protein context (NP_001596.2, residues 101-121): LGSWSFGDYF[Lys111=]ELACKMALEL

ClinVar aggregate classification (germline): Uncertain significance (1 of 4 stars; one submission).

Conditions:
Charcot-Marie-Tooth disease type 2. Also called: Charcot-Marie-Tooth type 2. Identifiers: Orphanet 64746, MedGen C0270914, MONDO:0018993.

Allele frequency attached by ClinVar (database versions not stated): gnomAD exomes below 0.00001.
gnomAD v4.1: 1 of 1,614,098 alleles (0.000062%); highest among the groups gnomAD compares: Non-Finnish European, 0.000085%; no homozygotes.

Submission:

Labcorp Genetics (formerly Invitae), Labcorp
Classification: Uncertain significance for Charcot-Marie-Tooth disease type 2. Last evaluated: 2018-09-06. Review status: criteria provided, single submitter. Criteria: Invitae Variant Classification Sherloc (09022015). Collection method: clinical testing. Allele origin: germline.
Comment: This sequence change affects codon 111 of the AARS mRNA. It is a 'silent' change, meaning that it does not change the encoded amino acid sequence of the AARS protein. This variant also falls at the last nucleotide of exon 3 of the AARS coding sequence, which is part of the consensus splice site for this exon. This variant is not present in population databases (ExAC no frequency). This variant has not been reported in the literature in individuals with AARS-related disease. Nucleotide substitutions within the consensus splice site are a relatively common cause of aberrant splicing (PMID: 17576681, 9536098). Algorithms developed to predict the effect of sequence changes on RNA splicing suggest that this variant is not likely to affect RNA splicing, but this prediction has not been confirmed by published transcriptional studies. In summary, the available evidence is currently insufficient to determine the role of this variant in disease. Therefore, it has been classified as a Variant of Uncertain Significance.

Literature cited by the submitters: PubMed 17576681; PubMed 9536098.